The following is an entry in ClinVar:

NM_001127222.2(CACNA1A):c.7458C>A (p.Arg2486=)

Gene: CACNA1A (calcium voltage-gated channel subunit alpha1 A; minus strand). Cytogenetic location: 19p13.13.
Variant type: single nucleotide variant.
Coding change: c.7458C>A on transcript NM_001127222.2 (MANE Select); coding-DNA position 7458, C replaced by A.
Protein change: p.Arg2486=; no amino-acid change (arginine 2486 retained).
Molecular consequence: synonymous variant. On other transcripts: 3 prime UTR variant (3).
Genome position (GRCh38, 1-based): chr19:13,207,376, G>T on the plus strand (C>A on the coding strand, the complement: CACNA1A is on the minus strand). VCF-style: chr19-13207376-G-T. GRCh37 (hg19) VCF-style: chr19-13318190-G-T.
Other names: c.*670C>A (NM_001127221.2, NM_001174080.2, NM_000068.4); c.7476C>A, p.Arg2492= (NM_023035.3).
Identifiers: ClinVar variation 2498757 (VCV002498757.28), dbSNP rs773412436, ClinGen allele CA505784608.

ClinVar aggregate classification (germline): Likely benign (1 of 4 stars; one submission).

gnomAD v4.1: 9 of 1,546,618 alleles (0.00058%); highest among the groups gnomAD compares: Non-Finnish European, 0.00078%; no homozygotes.

Submission:

CeGaT Center for Human Genetics Tuebingen
Classification: Likely benign. Last evaluated: 2023-02-01. Review status: criteria provided, single submitter. Criteria: CeGaT Center For Human Genetics Tuebingen Variant Classification Criteria Version 2. Collection method: clinical testing. Allele origin: germline. Affected: yes. Observed: 2 variant alleles.
Comment: CACNA1A: PM2:Supporting, BP4, BP7